The following is an entry in ClinVar:

ClinVar aggregate classification (germline): Uncertain significance (1 of 4 stars; one submission).

Conditions:
Hypertrophic cardiomyopathy 19. Also called: Familial hypertrophic cardiomyopathy 19. Identifiers: MedGen CN077603, MONDO:0013476.

Submission:

Labcorp Genetics (formerly Invitae), Labcorp
Classification: Uncertain significance for Hypertrophic cardiomyopathy 19. Last evaluated: 2022-04-21. Review status: criteria provided, single submitter. Criteria: Invitae Variant Classification Sherloc (09022015). Collection method: clinical testing. Allele origin: germline.
Comment: This sequence change replaces glutamic acid, which is acidic and polar, with glutamine, which is neutral and polar, at codon 156 of the CALR3 protein (p.Glu156Gln). In summary, the available evidence is currently insufficient to determine the role of this variant in disease. Therefore, it has been classified as a Variant of Uncertain Significance. Algorithms developed to predict the effect of missense changes on protein structure and function (SIFT, PolyPhen-2, Align-GVGD) all suggest that this variant is likely to be tolerated. This variant has not been reported in the literature in individuals affected with CALR3-related conditions. This variant is not present in population databases (gnomAD no frequency).

NM_145046.5(CALR3):c.466G>C (p.Glu156Gln)

Gene: CALR3 (calreticulin 3; minus strand). Cytogenetic location: 19p13.11.
Variant type: single nucleotide variant.
Coding change: c.466G>C on transcript NM_145046.5 (MANE Select); coding-DNA position 466, G replaced by C.
Protein change: p.Glu156Gln; replaces glutamic acid 156 with glutamine.
Molecular consequence: missense variant.
Genome position (GRCh38, 1-based): chr19:16,485,189, C>G on the plus strand (G>C on the coding strand, the complement: CALR3 is on the minus strand). VCF-style: chr19-16485189-C-G. GRCh37 (hg19) VCF-style: chr19-16596000-C-G.
Other names: short protein forms E156Q.
Identifiers: ClinVar variation 2086596 (VCV002086596.4), dbSNP rs1442412253, ClinGen allele CA404610638.